The following is an entry in ClinVar:

NM_001243279.3(ACSF3):c.1411C>T (p.Arg471Trp)

Gene: ACSF3 (acyl-CoA synthetase family member 3; plus strand). Cytogenetic location: 16q24.3.
Variant type: single nucleotide variant.
Coding change: c.1411C>T on transcript NM_001243279.3 (MANE Select); coding-DNA position 1411, C replaced by T.
Protein change: p.Arg471Trp; replaces arginine 471 with tryptophan.
Molecular consequence: missense variant. On other transcripts: non-coding transcript variant (4).
Genome position (GRCh38, 1-based): chr16:89,145,311, C>T. VCF-style: chr16-89145311-C-T. GRCh37 (hg19) VCF-style: chr16-89211719-C-T.
Other names: c.1411C>T, p.Arg471Trp (NM_001127214.4, NM_174917.5); c.616C>T, p.Arg206Trp (NM_001284316.2); c.1411C>T (NM_174917.3, NM_174917.2); short protein forms R471W, R206W.
Identifiers: ClinVar variation 31137 (VCV000031137.33), dbSNP rs138680796, ClinGen allele CA129709.
Genomic context (GRCh38, chr16:89,145,311, plus strand): 5'-AGCCCCTTTTCCTCAGGGGACACCGTGGTGTTTAAGGATGGCCAGTACTGGATCCGAGGC[C>T]GGACCTCAGTGGACATCATCAAGACTGGAGGCTACAAGGTCAGCGCCCTGGAGGTGGAGT-3'
Protein context (NP_001230208.1, residues 461-481): FKDGQYWIRG[Arg471Trp]TSVDIIKTGG

ClinVar aggregate classification (germline): Conflicting classifications of pathogenicity. Review status: criteria provided, conflicting classifications (1 of 4 stars). 14 submissions from 14 submitters: Pathogenic (1); Likely pathogenic (8); Uncertain significance (3). 2 of the submissions do not count toward it. Last evaluated 2025-11-25.

Conditions:
Inborn genetic diseases. Identifiers: MedGen C0950123, MeSH D030342.
Methylmalonic acidemia (MMA). Also called: Isolated Methylmalonic Acidemia. Identifiers: MedGen C0268583, MeSH C537358, MONDO:0002012, HP:0002912.
Combined malonic and methylmalonic acidemia. Identifiers: Orphanet 289504, MedGen C3280314, MONDO:0013661, OMIM 614265.

Allele frequency attached by ClinVar (database versions not stated): ESP Exome Variant Server 0.00008; gnomAD exomes 0.00016 and 0.00032; gnomAD 0.00017 and 0.00019; TOPMed 0.00020; ExAC 0.00021.
gnomAD v4.1: 274 of 1,614,020 alleles (0.017%); highest among the groups gnomAD compares: African/African-American, 0.0067%; no homozygotes.

Submissions (14):

Women's Health and Genetics/Laboratory Corporation of America, LabCorp
Classification: Likely pathogenic for Combined malonic and methylmalonic acidemia. Last evaluated: 2025-11-25. Review status: criteria provided, single submitter. Criteria: LabCorp Variant Classification Summary - May 2015. Collection method: clinical testing. Allele origin: germline.
Comment: Variant summary: ACSF3 c.1411C>T (p.Arg471Trp) results in a non-conservative amino acid change located in the AMP-dependent synthetase/ligase domain of the encoded protein sequence. Algorithms developed to predict the effect of missense changes on protein structure and function all suggest that this variant is likely to be disruptive. The variant allele was found at a frequency of 0.00032 in 251262 control chromosomes. This frequency is not significantly higher than estimated for disease-causing variants in ACSF3, allowing no conclusion about variant significance. c.1411C>T has been observed in the homozygous state in two individuals affected with Combined Malonic And Methylmalonic Aciduria; however, with benign clinical features (example: Alfares_2011, Sloan_2012). In a functional study, fibroblast cell lines from a patient homozygous for the variant displayed elevated malonic acid (MA) and methylmalonic acid (MMA) in culture media, therefore recapitulating the biochemical outcome observed in the two reported patients (example: Wehbe_2019). Additionally, the equivalent residue in E. coli was shown to result in the complete loss of fatty acyl-CoA synthetase enzymatic activity (example: Black_1997). The following publications have been ascertained in the context of this evaluation (PMID: 39581258, 21785126, 9030548, 30740739, 22421630, 21841779, 31376476, 29144512). ClinVar contains an entry for this variant (Variation ID: 31137). Based on the evidence outlined above, the variant was classified as likely pathogenic.

First Genomix Gene Laboratory, Genetic Diagnostics Department
Classification: Likely pathogenic for Combined malonic and methylmalonic acidemia. Last evaluated: 2025-07-18. Review status: criteria provided, single submitter. Criteria: ACMG Guidelines, 2015. Collection method: clinical testing. Allele origin: germline. Inheritance: Autosomal recessive inheritance. Affected: no. Observed: 1 variant allele.

Revvity Omics, Revvity
Classification: Likely pathogenic for Combined malonic and methylmalonic acidemia. Last evaluated: 2025-05-21. Review status: criteria provided, single submitter. Criteria: ACMG Guidelines, 2015. Collection method: clinical testing. Allele origin: germline.

Ambry Genetics
Classification: Likely pathogenic for Inborn genetic diseases. Last evaluated: 2024-10-04. Review status: criteria provided, single submitter. Criteria: Ambry Variant Classification Scheme 2023. Collection method: clinical testing. Allele origin: germline.
Comment: The c.1411C>T (p.R471W) alteration is located in exon 9 (coding exon 7) of the ACSF3 gene. This alteration results from a C to T substitution at nucleotide position 1411, causing the arginine (R) at amino acid position 471 to be replaced by a tryptophan (W). Based on data from gnomAD, the T allele has an overall frequency of 0.029% (82/282622) total alleles studied. The highest observed frequency was 0.705% (73/10360) of Ashkenazi Jewish alleles. This variant has been identified in the homozygous state in individuals with elevated plasma MMA, plasma MA, and/or elevated urine MMA, urine MA, with lack of expected metabolic disease symptoms (Alfares, 2011; Sloan, 2011). Another alteration at the same codon, c.1412G>A (p.R471Q), has been detected in in one individual with hypoglycemia, acidosis, poor weight gain, diarrhea episodes, and biochemical findings consistent with combined malonic and methylmalonic aciduria (Sloan, 2011). This amino acid position is highly conserved in available vertebrate species. This alteration is predicted to be deleterious by in silico analysis. Based on the available evidence, this alteration is classified as likely pathogenic.

Mayo Clinic Laboratories, Mayo Clinic
Classification: Likely pathogenic. Last evaluated: 2024-10-03. Review status: criteria provided, single submitter. Criteria: ACMG Guidelines, 2015. Collection method: clinical testing. Allele origin: germline. Observed: 1 variant allele.
Comment: PP3, PP4, PM3, PS3

Fulgent Genetics
Classification: Likely pathogenic for Combined malonic and methylmalonic acidemia. Last evaluated: 2024-06-24. Review status: criteria provided, single submitter. Criteria: ACMG Guidelines, 2015. Collection method: clinical testing. Allele origin: germline.

Blueprint Genetics
Classification: Uncertain significance. Last evaluated: 2024-06-13. Review status: criteria provided, single submitter. Criteria: ACMG Guidelines, 2015. Collection method: clinical testing. Allele origin: germline.

Department of Pathology and Laboratory Medicine, Sinai Health System
Classification: Likely pathogenic for Combined malonic and methylmalonic acidemia. Last evaluated: 2023-04-10. Review status: criteria provided, single submitter. Criteria: ACMG Guidelines, 2015. Collection method: research. Allele origin: germline.

GeneDx
Classification: Pathogenic. Last evaluated: 2022-12-02. Review status: criteria provided, single submitter. Criteria: GeneDx Variant Classification Process June 2021. Collection method: clinical testing. Allele origin: germline. Affected: yes.
Comment: Published functional studies of the equivalent residue in E. coli resulted in complete loss of fatty acyl-CoA synthetase enzymatic activity (Black et al., 1997); In silico analysis supports that this missense variant has a deleterious effect on protein structure/function; Missense variants in this gene are often considered pathogenic (HGMD); This variant is associated with the following publications: (PMID: 29858964, 21841779, 9030548, 21785126)

Genetic Services Laboratory, University of Chicago
Classification: Likely pathogenic. Last evaluated: 2019-03-08. Review status: criteria provided, single submitter. Criteria: ACMG Guidelines, 2015. Collection method: clinical testing. Allele origin: germline. Affected: yes.
Comment: DNA sequence analysis of the ACSF3 gene demonstrated a sequence change, c.1411C>T, in exon 9 that results in an amino acid change, p.Arg471Trp. The p.Arg471Trp change affects a moderately conserved amino acid residue located in a domain of the ACSF3 protein that is known to be functional. The p.Arg471Trp substitution appears to be deleterious using several in-silico pathogenicity prediction tools (SIFT, PolyPhen2, CADD, REVEL). This sequence change has been described in the gnomAD database with a low global population frequency of 0.03%, but a relatively high frequency of 0.7% in the Ashkenazi Jewish population (dbSNP rs138680796). The patient was initially identified by newborn screening (PMID: 10356133). This individual reported incontinence and mild memory issues. Additionally, a different sequence changes affecting the same amino acid residue (p.Arg471Gln) has been described in the compound heterozygous state with a second missense variant a patient with combined malonic and methylmalonic aciduria (PMID: 21841779). Although the p.Arg471Trp change in the homozygous state has not been reported to cause a significant clinical phenotype to date, it has not been reported in compound heterozygous state with a potentially more damaging mutation and therefore the full spectrum of disease associated with the p.Arg471Gln change is not currently known.

ARUP Laboratories, Molecular Genetics and Genomics, ARUP Laboratories
Classification: Uncertain significance for Combined malonic and methylmalonic acidemia. Last evaluated: 2019-02-15. Review status: criteria provided, single submitter. Criteria: ARUP Molecular Germline Variant Investigation Process. Collection method: clinical testing. Allele origin: germline.
Comment: The ACSF3 c.1411C>T; p.Arg471Trp variant (rs138680796), is reported in the literature in the homozygous state in two individuals affected with combined malonic and methylmalonic aciduria (CMAMMA) (Alfares 2011, Sloan 2011). This variant is found in the Ashkenazi Jewish population with an overall allele frequency of 0.71% (73/10360 alleles) in the Genome Aggregation Database, though at least one affected individual with this variant was of Ashkenazi descent (Alfares 2011). The arginine at codon 471 is moderately conserved and computational analyses (SIFT, PolyPhen-2) predict that this variant is deleterious. Another variant at the same codon (p.Arg471Gln) was also reported in an individual with CMAMMA, though its clinical significance remains uncertain (Sloan 2011). Given the lack of clinical and functional data, the significance of the p.Arg471Trp variant is uncertain at this time. References: Alfares A et al. Combined malonic and methylmalonic aciduria: exome sequencing reveals mutations in the ACSF3 gene in patients with a non-classic phenotype. J Med Genet. 2011 Sep;48(9):602-5. Sloan JL et al. Exome sequencing identifies ACSF3 as a cause of combined malonic and methylmalonic aciduria. Nat Genet. 2011 Aug 14;43(9):883-6.

Labcorp Genetics (formerly Invitae), Labcorp
Classification: Uncertain significance for Combined malonic and methylmalonic aciduria. Last evaluated: 2018-08-20. Review status: criteria provided, single submitter. Criteria: Invitae Variant Classification Sherloc (09022015). Collection method: clinical testing. Allele origin: germline.
Comment: This sequence change replaces arginine with tryptophan at codon 471 of the ACSF3 protein (p.Arg471Trp). The arginine residue is moderately conserved and there is a moderate physicochemical difference between arginine and tryptophan. This variant is present in population databases (rs138680796, ExAC 0.04%). This variant has been observed in individuals affected with combined malonic and methylmalonic aciduriaÂ¬â€ (PMID: 29858964, 21841779, 21785126). ClinVar contains an entry for this variant (Variation ID: 31137). Experimental studies have shown that this missense change disrupts ACSF3 protein function in vitro (PMID:Â¬â€ 9030548). In summary, the available evidence is currently insufficient to determine the role of this variant in disease. Therefore, it has been classified as a Variant of Uncertain Significance.

Natera, Inc.
Classification: Uncertain significance for Methylmalonic acidemia. Last evaluated: 2020-09-16. Review status: no assertion criteria provided. Collection method: clinical testing. Allele origin: germline. Not counted in ClinVar's aggregate classification.

OMIM
Classification: Pathogenic for COMBINED MALONIC AND METHYLMALONIC ACIDURIA. Last evaluated: 2011-08-14. Review status: no assertion criteria provided. Collection method: literature only. Allele origin: germline. Not counted in ClinVar's aggregate classification.

Literature cited by the submitters: PubMed 29144512 (cited by Women's Health and Genetics/Laboratory Corporation of America, LabCorp and Mayo Clinic Laboratories, Mayo Clinic); PubMed 30740739 (cited by Women's Health and Genetics/Laboratory Corporation of America, LabCorp and Mayo Clinic Laboratories, Mayo Clinic); PubMed 21841779 (cited by 5 submitters); PubMed 21785126 (cited by 5 submitters); PubMed 31376476 (cited by Women's Health and Genetics/Laboratory Corporation of America, LabCorp and Mayo Clinic Laboratories, Mayo Clinic); PubMed 9030548 (cited by Women's Health and Genetics/Laboratory Corporation of America, LabCorp); PubMed 22421630 (cited by Women's Health and Genetics/Laboratory Corporation of America, LabCorp and Mayo Clinic Laboratories, Mayo Clinic); PubMed 39581258 (cited by Women's Health and Genetics/Laboratory Corporation of America, LabCorp); PubMed 33003980 (cited by Mayo Clinic Laboratories, Mayo Clinic); PubMed 36608682 (cited by Mayo Clinic Laboratories, Mayo Clinic); PubMed 29858964 (cited by Labcorp Genetics (formerly Invitae), Labcorp).